The following is an entry in ClinVar:

ClinVar aggregate classification (germline): Uncertain significance (1 of 4 stars; one submission).

Submission:

OLLIN Analises Genomicas, OLLIN
Classification: Uncertain significance. Last evaluated: 2026-08-06. Review status: criteria provided, single submitter. Criteria: ACMG Guidelines 2015 PMID 25741868. Collection method: clinical testing. Allele origin: germline.
Comment: This variant, located at the canonical splicing site (splice acceptor), is absent from gnomAD and ClinVar and has not been identified in the literature. This variant is predicted to disrupt a canonical splice site, potentially leading to exon skipping, mRNA degradation via nonsense-mediated decay (NMD), or production of a truncated protein. According to the currently available evidence, this variant has been classified as uncertain significance (PM2_P).

NM_001163321.4(CCDC120):c.-83-2A>G

Gene: CCDC120 (coiled-coil domain containing 120; plus strand). Cytogenetic location: Xp11.23.
Variant type: single nucleotide variant.
Coding change: c.-83-2A>G on transcript NM_001163321.4 (MANE Select); the canonical splice acceptor site of the intron before 83 bases upstream of the start codon, A replaced by G.
Molecular consequence: splice acceptor variant.
Genome position (GRCh38, 1-based): chrX:49,061,957, A>G. VCF-style: chrX-49061957-A-G. GRCh37 (hg19) VCF-style: chrX-48919488-A-G.
Other names: c.-201-2A>G (NM_001271836.2, NM_001271835.1, NM_001163322.2 and 1 more transcripts); c.-142-2A>G (NM_033626.3).
Identifiers: ClinVar variation 5003151 (VCV005003151.1).